The following is an entry in ClinVar:

ClinVar aggregate classification (germline): Benign (1 of 4 stars; one submission).

Allele frequency attached by ClinVar (database versions not stated): gnomAD 0.01553 and 0.01668; TOPMed 0.01835; 1000 Genomes Project 0.01977; 1000 Genomes Project 30x 0.02030.
gnomAD v4.1: 2,332 of 152,192 alleles (1.5%); highest among the groups gnomAD compares: African/African-American, 5.3%; 66 homozygotes.

Submission:

GeneDx
Classification: Benign. Last evaluated: 2018-06-14. Review status: criteria provided, single submitter. Criteria: GeneDx Variant Classification (06012015). Collection method: clinical testing. Allele origin: germline. Affected: yes.
Comment: This variant is considered likely benign or benign based on one or more of the following criteria: it is a conservative change, it occurs at a poorly conserved position in the protein, it is predicted to be benign by multiple in silico algorithms, and/or has population frequency not consistent with disease.

NM_001165963.4(SCN1A):c.3429+216C>G

Genes: SCN1A (sodium voltage-gated channel alpha subunit 1; minus strand), LOC102724058 (uncharacterized LOC102724058; plus strand). Cytogenetic location: 2q24.3.
Variant type: single nucleotide variant.
Coding change: c.3429+216C>G on transcript NM_001165963.4 (MANE Select); 216 bases into the intron after coding-DNA position 3429, C replaced by G.
Molecular consequence: intron variant.
Genome position (GRCh38, 1-based): chr2:166,035,832, G>C on the plus strand (C>G on the coding strand, the complement: SCN1A is on the minus strand). VCF-style: chr2-166035832-G-C. GRCh37 (hg19) VCF-style: chr2-166892342-G-C.
Other names: c.3396+216C>G (NM_001353949.2, NM_001353950.2, NM_001353951.2 and 2 more transcripts); c.3345+216C>G (NM_001353958.2, NM_001353957.2, NM_001165964.3); c.3429+216C>G (NM_001202435.3, NM_001353948.2); c.3393+216C>G (NM_001353955.2, NM_001353954.2); c.3342+216C>G (NM_001353960.2); c.987+216C>G (NM_001353961.2).
Identifiers: ClinVar variation 677434 (VCV000677434.1), dbSNP rs74440143, ClinGen allele CA59786595.
Genomic context (GRCh38, chr2:166,035,832, plus strand): 5'-TTATCCTTGTAATCACGTGGTTGACTGGGAGCTGCAGCTTGCTGCCCCTGCCCAGCATGA[G>C]AGTATATTGTACCACAAATTGCTAGCCTGGGAAAAGATCAAAATTCAAAATTTAGAGCAT-3'